The following is an entry in ClinVar:

NM_001943.5(DSG2):c.1919G>T (p.Gly640Val)

Gene: DSG2 (desmoglein 2; plus strand). Cytogenetic location: 18q12.1.
Variant type: single nucleotide variant.
Coding change: c.1919G>T on transcript NM_001943.5 (MANE Select); coding-DNA position 1919, G replaced by T.
Protein change: p.Gly640Val; replaces glycine 640 with valine.
Molecular consequence: missense variant.
Genome position (GRCh38, 1-based): chr18:31,541,232, G>T. VCF-style: chr18-31541232-G-T. GRCh37 (hg19) VCF-style: chr18-29121195-G-T.
Other names: short protein forms G640V.
Identifiers: ClinVar variation 923814 (VCV000923814.6), dbSNP rs1308538646, ClinGen allele CA402139317.

ClinVar aggregate classification (germline): Uncertain significance. Review status: criteria provided, multiple submitters, no conflicts (2 of 4 stars). 2 submissions from 2 submitters: Uncertain significance (2). Last evaluated 2024-03-06.

Conditions:
Arrhythmogenic right ventricular cardiomyopathy (ARVD). Also called: Arrhythmogenic cardiomyopathy; Cardiomyopathy, ARVC; Arrhythmogenic right ventricular dysplasia; Arrhythmogenic Right Ventricular Cardiomyopathy (ARVC). Identifiers: Orphanet 247, MedGen C0349788, MeSH D019571, MONDO:0016587. Disease mechanism: loss of function. Inheritance: Various modes of inheritance.
Cardiomyopathy (CMYO). Also called: Cardiomyopathies. Identifiers: Orphanet 167848, MedGen C0878544, MONDO:0004994, HP:0001638. Inheritance: Various modes of inheritance.

Allele frequency attached by ClinVar (database versions not stated): gnomAD exomes below 0.00001.
gnomAD v4.1: 2 of 1,614,122 alleles (0.00012%); highest among the groups gnomAD compares: South Asian, 0.0022%; no homozygotes.

Submissions (2):

Color Diagnostics, LLC DBA Color Health
Classification: Uncertain significance for Cardiomyopathy. Last evaluated: 2024-03-06. Review status: criteria provided, single submitter. Criteria: ACMG Guidelines, 2015. Collection method: clinical testing. Allele origin: germline.
Comment: This missense variant replaces glycine with valine at codon 640 of the DSG2 protein. Computational prediction suggests that this variant may not impact protein structure and function (internally defined REVEL score threshold <= 0.5, PMID: 27666373). To our knowledge, functional studies have not been reported for this variant. This variant has not been reported in individuals affected with cardiovascular disorders in the literature. This variant has been identified in 1/249280 chromosomes in the general population by the Genome Aggregation Database (gnomAD). The available evidence is insufficient to determine the role of this variant in disease conclusively. Therefore, this variant is classified as a Variant of Uncertain Significance.

All of Us Research Program, National Institutes of Health
Classification: Uncertain significance for Arrhythmogenic right ventricular cardiomyopathy. Last evaluated: 2023-05-04. Review status: criteria provided, single submitter. Criteria: ACMG Guidelines, 2015. Collection method: clinical testing. Allele origin: germline. Inheritance: Autosomal dominant inheritance. Observed: 1 variant allele, 1 heterozygote.
Comment: This missense variant replaces glycine with valine at codon 640 of the DSG2 protein. Computational prediction suggests that this variant may not impact protein structure and function (internally defined REVEL score threshold <= 0.5, PMID: 27666373). To our knowledge, functional studies have not been reported for this variant. This variant has not been reported in individuals affected with cardiovascular disorders in the literature. This variant has been identified in 1/249280 chromosomes in the general population by the Genome Aggregation Database (gnomAD). The available evidence is insufficient to determine the role of this variant in disease conclusively. Therefore, this variant is classified as a Variant of Uncertain Significance.

This study involves interpretation of variants in research participants for the purpose of population health screening. Participant phenotype was not available at the time of variant classification. Additional details can be found in publication PMID: 35346344, PMCID: PMC8962531